The following is an entry in ClinVar:

ClinVar aggregate classification (germline): Uncertain significance (1 of 4 stars; one submission).

Conditions:
Epidermolysis bullosa simplex with nail dystrophy (EBS5D). Identifiers: MedGen C4225309, MONDO:0014661, OMIM 616487.
Epidermolysis bullosa simplex, Ogna type (EBS5A). Also called: Pidermolysis bullosa simplex 5A, Ogna type; EPIDERMOLYSIS BULLOSA SIMPLEX 5A, OGNA TYPE. Identifiers: Orphanet 79401, MedGen C0432317, MONDO:0007555, OMIM 131950.
Epidermolysis bullosa simplex 5B, with muscular dystrophy (EBS5B). Also called: Epidermolysis bullosa simplex with muscular dystrophy; EPIDERMOLYSIS BULLOSA SIMPLEX AND LIMB-GIRDLE MUSCULAR DYSTROPHY. Identifiers: Orphanet 257, MedGen C2931072, MONDO:0009181, OMIM 226670.
Autosomal recessive limb-girdle muscular dystrophy type 2Q (LGMDR17). Also called: MUSCULAR DYSTROPHY, LIMB-GIRDLE, AUTOSOMAL RECESSIVE 17. Identifiers: Orphanet 254361, MedGen C3150989, MONDO:0013390, OMIM 613723.
Epidermolysis bullosa simplex 5C, with pyloric atresia (EBS5C). Also called: PLEC-Related Epidermolysis Bullosa with Pyloric Atresia; Epidermolysis bullosa simplex with pyloric atresia; PLEC1-Related Epidermolysis Bullosa with Pyloric Atresia. Identifiers: Orphanet 158684, MedGen C2677349, MONDO:0012807, OMIM 612138.

gnomAD v4.1: 3 of 1,582,208 alleles (0.00019%); highest among the groups gnomAD compares: Admixed American, 0.0052%; no homozygotes.

Submission:

Labcorp Genetics (formerly Invitae), Labcorp
Classification: Uncertain significance for Autosomal recessive limb-girdle muscular dystrophy type 2Q; Epidermolysis bullosa simplex, Ogna type; Epidermolysis bullosa simplex with nail dystrophy; Epidermolysis bullosa simplex 5C, with pyloric atresia; Epidermolysis bullosa simplex 5B, with muscular dystrophy. Last evaluated: 2025-07-27. Review status: criteria provided, single submitter. Criteria: Invitae Variant Classification Sherloc (09022015). Collection method: clinical testing. Allele origin: germline.
Comment: This sequence change replaces glutamic acid, which is acidic and polar, with lysine, which is basic and polar, at codon 894 of the PLEC protein (p.Glu894Lys). This variant is present in population databases (no rsID available, gnomAD 0.007%). This variant has not been reported in the literature in individuals affected with PLEC-related conditions. Invitae Evidence Modeling of protein sequence and biophysical properties (such as structural, functional, and spatial information, amino acid conservation, physicochemical variation, residue mobility, and thermodynamic stability) indicates that this missense variant is not expected to disrupt PLEC protein function with a negative predictive value of 80%. In summary, the available evidence is currently insufficient to determine the role of this variant in disease. Therefore, it has been classified as a Variant of Uncertain Significance.

NM_201384.3(PLEC):c.2599G>A (p.Glu867Lys)

Gene: PLEC (plectin; minus strand). Cytogenetic location: 8q24.3.
Variant type: single nucleotide variant.
Coding change: c.2599G>A on transcript NM_201384.3 (MANE Select); coding-DNA position 2599, G replaced by A.
Protein change: p.Glu867Lys; replaces glutamic acid 867 with lysine.
Molecular consequence: missense variant.
Genome position (GRCh38, 1-based): chr8:143,930,157, C>T on the plus strand (G>A on the coding strand, the complement: PLEC is on the minus strand). VCF-style: chr8-143930157-C-T. GRCh37 (hg19) VCF-style: chr8-145004325-C-T.
Other names: c.2680G>A, p.Glu894Lys (NM_000445.5, NM_001410941.1); c.2557G>A, p.Glu853Lys (NM_201378.4); c.2533G>A, p.Glu845Lys (NM_201379.3); c.3010G>A, p.Glu1004Lys (NM_201380.4); c.2503G>A, p.Glu835Lys (NM_201381.3); c.2599G>A, p.Glu867Lys (NM_201382.4); c.2611G>A, p.Glu871Lys (NM_201383.3); short protein forms E1004K, E835K, E845K, E871K, E894K, E853K, E867K.
Identifiers: ClinVar variation 4782900 (VCV004782900.1).